The following is an entry in ClinVar:

NM_001039213.4(CEACAM16):c.1154A>C (p.Asn385Thr)

Genes: CEACAM16 (CEA cell adhesion molecule 16, tectorial membrane component; plus strand), CEACAM16-AS1 (CEACAM16, CEACAM19 and PVR antisense RNA 1; minus strand). Cytogenetic location: 19q13.32.
Variant type: single nucleotide variant.
Coding change: c.1154A>C on transcript NM_001039213.4 (MANE Select); coding-DNA position 1154, A replaced by C.
Protein change: p.Asn385Thr; replaces asparagine 385 with threonine.
Molecular consequence: missense variant.
Genome position (GRCh38, 1-based): chr19:44,708,074, A>C. VCF-style: chr19-44708074-A-C. GRCh37 (hg19) VCF-style: chr19-45211346-A-C.
Other names: short protein forms N385T.
Identifiers: ClinVar variation 2894771 (VCV002894771.3), dbSNP rs762419317, ClinGen allele CA308873053.
Genomic context (GRCh38, chr19:44,708,074, plus strand): 5'-TGCCGTCAGGAACCTGGATTGCAGGCCCCGCGCACACAGGCCGGGAGGTGGGCTTCCCCA[A>C]CTGCTCGCTGTTGGTGCAGAAGCTGAACCTCACAGACACTGGCCGCTACACACTCAAGAC-3'
Protein context (NP_001034302.2, residues 375-395): AHTGREVGFP[Asn385Thr]CSLLVQKLNL

ClinVar aggregate classification (germline): Uncertain significance (1 of 4 stars; one submission).

gnomAD v4.1: 2 of 1,612,592 alleles (0.00012%); highest among the groups gnomAD compares: Admixed American, 0.0033%; no homozygotes.

Submission:

Labcorp Genetics (formerly Invitae), Labcorp
Classification: Uncertain significance. Last evaluated: 2023-02-17. Review status: criteria provided, single submitter. Criteria: Invitae Variant Classification Sherloc (09022015). Collection method: clinical testing. Allele origin: germline.
Comment: This sequence change replaces asparagine, which is neutral and polar, with threonine, which is neutral and polar, at codon 385 of the CEACAM16 protein (p.Asn385Thr). This variant is present in population databases (no rsID available, gnomAD 0.006%). This variant has not been reported in the literature in individuals affected with CEACAM16-related conditions. An algorithm developed to predict the effect of missense changes on protein structure and function (PolyPhen-2) suggests that this variant is likely to be disruptive. In summary, the available evidence is currently insufficient to determine the role of this variant in disease. Therefore, it has been classified as a Variant of Uncertain Significance.